The following is an entry in ClinVar:

ClinVar aggregate classification (germline): Uncertain significance. Review status: criteria provided, multiple submitters, no conflicts (2 of 4 stars). 3 submissions from 3 submitters: Uncertain significance (3). Last evaluated 2024-03-28.

Conditions:
Becker muscular dystrophy (BMD). Also called: MUSCULAR DYSTROPHY, PSEUDOHYPERTROPHIC PROGRESSIVE, BECKER TYPE; Becker Muscular Dystrophy (BMD). Identifiers: Orphanet 98895, MedGen C0917713, MONDO:0010311, OMIM 300376.
Dilated cardiomyopathy 3B (CMD3B). Also called: CMD3B: DMD-Related Dilated Cardiomyopathy; CARDIOMYOPATHY, DILATED, X-LINKED; DMD-Associated Dilated Cardiomyopathy. Identifiers: Orphanet 154, MedGen C3668940, MONDO:0010542, OMIM 302045.
Duchenne muscular dystrophy (DMD). Also called: MUSCULAR DYSTROPHY, PSEUDOHYPERTROPHIC PROGRESSIVE, DUCHENNE TYPE; Duchenne Muscular Dystrophy (DMD). Identifiers: Orphanet 98896, MedGen C0013264, MONDO:0010679, OMIM 310200.

Allele frequency attached by ClinVar (database versions not stated): gnomAD exomes below 0.00001.
gnomAD v4.1: 1 of 1,206,327 alleles (0.000083%); highest among the groups gnomAD compares: Non-Finnish European, 0.00011%; no homozygotes.

Submissions (3):

Labcorp Genetics (formerly Invitae), Labcorp
Classification: Uncertain significance for Duchenne muscular dystrophy. Last evaluated: 2024-03-28. Review status: criteria provided, single submitter. Criteria: Invitae Variant Classification Sherloc (09022015). Collection method: clinical testing. Allele origin: germline.
Comment: This sequence change falls in intron 41 of the DMD gene. It does not directly change the encoded amino acid sequence of the DMD protein. It affects a nucleotide within the consensus splice site. This variant is not present in population databases (gnomAD no frequency). This variant has been observed in individual(s) with DMD-related conditions (PMID: 19937601). ClinVar contains an entry for this variant (Variation ID: 1373780). Variants that disrupt the consensus splice site are a relatively common cause of aberrant splicing (PMID: 17576681, 9536098). Algorithms developed to predict the effect of sequence changes on RNA splicing suggest that this variant may disrupt the consensus splice site. In summary, the available evidence is currently insufficient to determine the role of this variant in disease. Therefore, it has been classified as a Variant of Uncertain Significance.

Women's Health and Genetics/Laboratory Corporation of America, LabCorp
Classification: Uncertain significance. Last evaluated: 2022-03-07. Review status: criteria provided, single submitter. Criteria: LabCorp Variant Classification Summary - May 2015. Collection method: clinical testing. Allele origin: germline.
Comment: Variant summary: DMD c.5922+3G>C alters a conserved nucleotide located close to a canonical splice site and therefore could affect mRNA splicing, leading to a significantly altered protein sequence. Several computational tools predict a significant impact on normal splicing: Four predict the variant abolishes a canonical 5' splicing donor site. However, these predictions have yet to be confirmed by functional studies. The variant was absent in 178802 control chromosomes (gnomAD). The available data on variant occurrences in the general population are insufficient to allow any conclusion about variant significance. c.5922+3G>C has been reported in the literature in an individual daignosed with intermediate muscular dystrophy (Flanigan_2009). These data do not allow any conclusion about variant significance. To our knowledge, no experimental evidence demonstrating an impact on protein function has been reported. No clinical diagnostic laboratories have submitted clinical-significance assessments for this variant to ClinVar after 2014. Based on the evidence outlined above, the variant was classified as uncertain significance.

Fulgent Genetics
Classification: Uncertain significance for Becker muscular dystrophy; Dilated cardiomyopathy 3B; Duchenne muscular dystrophy. Last evaluated: 2022-01-03. Review status: criteria provided, single submitter. Criteria: ACMG Guidelines, 2015. Collection method: clinical testing. Allele origin: unknown.

Literature cited by the submitters: PubMed 19937601 (cited by Labcorp Genetics (formerly Invitae), Labcorp and Women's Health and Genetics/Laboratory Corporation of America, LabCorp); PubMed 17576681 (cited by Labcorp Genetics (formerly Invitae), Labcorp); PubMed 9536098 (cited by Labcorp Genetics (formerly Invitae), Labcorp).

NM_004006.3(DMD):c.5922+3G>C

Gene: DMD (dystrophin; minus strand). Cytogenetic location: Xp21.1.
Variant type: single nucleotide variant.
Coding change: c.5922+3G>C on transcript NM_004006.3 (MANE Select); 3 bases into the intron after coding-DNA position 5922, G replaced by C.
Molecular consequence: intron variant.
Genome position (GRCh38, 1-based): chrX:32,342,097, C>G on the plus strand (G>C on the coding strand, the complement: DMD is on the minus strand). VCF-style: chrX-32342097-C-G. GRCh37 (hg19) VCF-style: chrX-32360214-C-G.
Other names: c.5898+3G>C (NM_000109.4); c.1899+3G>C (NM_004011.4); c.1890+3G>C (NM_004012.4); c.5910+3G>C (NM_004009.3); c.5553+3G>C (NM_004010.3).
Identifiers: ClinVar variation 1373780 (VCV001373780.8), dbSNP rs398124000, ClinGen allele CA267086.